The following is an entry in ClinVar:

NM_006662.3(SRCAP):c.2415G>T (p.Glu805Asp)

Gene: SRCAP (Snf2 related CREBBP activator protein; plus strand). Cytogenetic location: 16p11.2.
Variant type: single nucleotide variant.
Coding change: c.2415G>T on transcript NM_006662.3 (MANE Select); coding-DNA position 2415, G replaced by T.
Protein change: p.Glu805Asp; replaces glutamic acid 805 with aspartic acid.
Molecular consequence: missense variant.
Genome position (GRCh38, 1-based): chr16:30,713,633, G>T. VCF-style: chr16-30713633-G-T. GRCh37 (hg19) VCF-style: chr16-30724954-G-T.
Other names: short protein forms E805D.
Identifiers: ClinVar variation 3361638 (VCV003361638.1).

ClinVar aggregate classification (germline): Uncertain significance (1 of 4 stars; one submission).

Submission:

GeneDx
Classification: Uncertain significance. Last evaluated: 2023-08-09. Review status: criteria provided, single submitter. Criteria: GeneDx Variant Classification Process June 2021. Collection method: clinical testing. Allele origin: germline. Affected: yes.
Comment: Not observed at significant frequency in large population cohorts (gnomAD); In silico analysis supports that this missense variant has a deleterious effect on protein structure/function; Has not been previously published as pathogenic or benign to our knowledge